The following is an entry in ClinVar:

NM_004655.4(AXIN2):c.1177G>A (p.Glu393Lys)

Gene: AXIN2 (axin 2; minus strand). Cytogenetic location: 17q24.1.
Variant type: single nucleotide variant.
Coding change: c.1177G>A on transcript NM_004655.4 (MANE Select); coding-DNA position 1177, G replaced by A.
Protein change: p.Glu393Lys; replaces glutamic acid 393 with lysine.
Molecular consequence: missense variant.
Genome position (GRCh38, 1-based): chr17:65,538,226, C>T on the plus strand (G>A on the coding strand, the complement: AXIN2 is on the minus strand). VCF-style: chr17-65538226-C-T. GRCh37 (hg19) VCF-style: chr17-63534344-C-T.
Other names: c.1177G>A (LRG_296t1); c.1177G>A, p.Glu393Lys (NM_001363813.1); short protein forms E393K.
Identifiers: ClinVar variation 533179 (VCV000533179.12), dbSNP rs1555578459, ClinGen allele CA400678199.

ClinVar aggregate classification (germline): Uncertain significance. Review status: criteria provided, multiple submitters, no conflicts (2 of 4 stars). 2 submissions from 2 submitters: Uncertain significance (2). Last evaluated 2025-12-22.

Conditions:
Oligodontia-cancer predisposition syndrome. Also called: TOOTH AGENESIS-COLORECTAL CANCER SYNDROME. Identifiers: Orphanet 300576, MedGen C1837750, MONDO:0012075, OMIM 608615. Disease mechanism: loss of function.
Hereditary cancer-predisposing syndrome. Also called: Hereditary neoplastic syndrome; Neoplastic Syndromes, Hereditary; Tumor predisposition; Hereditary Cancer Syndrome. Identifiers: Orphanet 140162, MedGen C0027672, MeSH D009386, MONDO:0015356.

Allele frequency attached by ClinVar (database versions not stated): gnomAD exomes 0.00001.
gnomAD v4.1: 7 of 1,614,218 alleles (0.00043%); highest among the groups gnomAD compares: East Asian, 0.013%; no homozygotes.

Submissions (2):

Labcorp Genetics (formerly Invitae), Labcorp
Classification: Uncertain significance for Oligodontia-cancer predisposition syndrome. Last evaluated: 2025-12-22. Review status: criteria provided, single submitter. Criteria: Invitae Variant Classification Sherloc (09022015). Collection method: clinical testing. Allele origin: germline.
Comment: This sequence change replaces glutamic acid, which is acidic and polar, with lysine, which is basic and polar, at codon 393 of the AXIN2 protein (p.Glu393Lys). This variant is not present in population databases (gnomAD no frequency). This variant has not been reported in the literature in individuals affected with AXIN2-related conditions. ClinVar contains an entry for this variant (Variation ID: 533179). Invitae Evidence Modeling of protein sequence and biophysical properties (such as structural, functional, and spatial information, amino acid conservation, physicochemical variation, residue mobility, and thermodynamic stability) indicates that this missense variant is expected to disrupt AXIN2 protein function with a positive predictive value of 80%. In summary, the available evidence is currently insufficient to determine the role of this variant in disease. Therefore, it has been classified as a Variant of Uncertain Significance.

Ambry Genetics
Classification: Uncertain significance for Hereditary cancer-predisposing syndrome. Last evaluated: 2025-04-28. Review status: criteria provided, single submitter. Criteria: Ambry Variant Classification Scheme 2023. Collection method: clinical testing. Allele origin: germline.
Comment: The p.E393K variant (also known as c.1177G>A), located in coding exon 4 of the AXIN2 gene, results from a G to A substitution at nucleotide position 1177. The glutamic acid at codon 393 is replaced by lysine, an amino acid with similar properties. This amino acid position is conserved. In addition, the in silico prediction for this alteration is inconclusive. Since supporting evidence is limited at this time, the clinical significance of this alteration remains unclear.